The following is an entry in ClinVar:

NM_000701.8(ATP1A1):c.2007T>A (p.Asp669Glu)

Genes: ATP1A1 (ATPase Na+/K+ transporting subunit alpha 1; plus strand), ATP1A1-AS1 (ATP1A1 antisense RNA 1; minus strand). Cytogenetic location: 1p13.1.
Variant type: single nucleotide variant.
Coding change: c.2007T>A on transcript NM_000701.8 (MANE Select); coding-DNA position 2007, T replaced by A.
Protein change: p.Asp669Glu; replaces aspartic acid 669 with glutamic acid.
Molecular consequence: missense variant.
Genome position (GRCh38, 1-based): chr1:116,397,921, T>A. VCF-style: chr1-116397921-T-A. GRCh37 (hg19) VCF-style: chr1-116940543-T-A.
Other names: c.2007T>A, p.Asp669Glu (NM_001160233.2); c.1914T>A, p.Asp638Glu (NM_001160234.2); short protein forms D638E, D669E.
Identifiers: ClinVar variation 3648784 (VCV003648784.2).

ClinVar aggregate classification (germline): Uncertain significance (1 of 4 stars; one submission).

gnomAD v4.1: 3 of 1,613,566 alleles (0.00019%); highest among the groups gnomAD compares: Non-Finnish European, 0.00025%; no homozygotes.

Submission:

Labcorp Genetics (formerly Invitae), Labcorp
Classification: Uncertain significance. Last evaluated: 2024-10-24. Review status: criteria provided, single submitter. Criteria: Invitae Variant Classification Sherloc (09022015). Collection method: clinical testing. Allele origin: germline.
Comment: This sequence change replaces aspartic acid, which is acidic and polar, with glutamic acid, which is acidic and polar, at codon 669 of the ATP1A1 protein (p.Asp669Glu). This variant is not present in population databases (gnomAD no frequency). This variant has not been reported in the literature in individuals affected with ATP1A1-related conditions. Invitae Evidence Modeling of protein sequence and biophysical properties (such as structural, functional, and spatial information, amino acid conservation, physicochemical variation, residue mobility, and thermodynamic stability) indicates that this missense variant is not expected to disrupt ATP1A1 protein function with a negative predictive value of 95%. In summary, the available evidence is currently insufficient to determine the role of this variant in disease. Therefore, it has been classified as a Variant of Uncertain Significance.